The following is an entry in ClinVar:

NM_182641.4(BPTF):c.1570C>A (p.Arg524Ser)

Gene: BPTF (bromodomain PHD finger transcription factor; plus strand). Cytogenetic location: 17q24.2.
Variant type: single nucleotide variant.
Coding change: c.1570C>A on transcript NM_182641.4 (MANE Select); coding-DNA position 1570, C replaced by A.
Protein change: p.Arg524Ser; replaces arginine 524 with serine.
Molecular consequence: missense variant.
Genome position (GRCh38, 1-based): chr17:67,866,597, C>A. VCF-style: chr17-67866597-C-A. GRCh37 (hg19) VCF-style: chr17-65862713-C-A.
Other names: c.1570C>A, p.Arg524Ser (NM_001439139.1, NM_001439140.1, NM_001439141.1 and 4 more transcripts); short protein forms R524S.
Identifiers: ClinVar variation 4725939 (VCV004725939.1).
Genomic context (GRCh38, chr17:67,866,597, plus strand): 5'-ATTGACTGTCTAGACAAAGATTATTGGGAAGCAGAACTCTGCAAAATTCTAGAAGAAATG[C>A]GTGAAGAAATCCACCGACACATGGACATAACTGAAGACCTGACCAATAAGGCTCGGGGCA-3'
Protein context (NP_872579.2, residues 514-534): AELCKILEEM[Arg524Ser]EEIHRHMDIT

ClinVar aggregate classification (germline): Uncertain significance (1 of 4 stars; one submission).

Submission:

Labcorp Genetics (formerly Invitae), Labcorp
Classification: Uncertain significance. Last evaluated: 2025-11-24. Review status: criteria provided, single submitter. Criteria: Invitae Variant Classification Sherloc (09022015). Collection method: clinical testing. Allele origin: germline.
Comment: This sequence change replaces arginine, which is basic and polar, with serine, which is neutral and polar, at codon 524 of the BPTF protein (p.Arg524Ser). This variant is not present in population databases (gnomAD no frequency). This variant has not been reported in the literature in individuals affected with BPTF-related conditions. An algorithm developed to predict the effect of missense changes on protein structure and function (PolyPhen-2) suggests that this variant is likely to be tolerated. In summary, the available evidence is currently insufficient to determine the role of this variant in disease. Therefore, it has been classified as a Variant of Uncertain Significance.